The following is an entry in ClinVar:

ClinVar aggregate classification (germline): other (0 of 4 stars; one submission).

Conditions:
Familial colorectal cancer. Identifiers: MedGen CN280943, MONDO:0023113. Disease mechanism: loss of function.

Submission:

Systems Biology Platform Zhejiang California International NanoSystems Institute
Classification: other for Familial colorectal cancer. Review status: no assertion criteria provided. Collection method: not provided. Allele origin: unknown.
ClinVar note: Converted during submission from cancer to other.

NM_000038.6(APC):c.933+1200C>A

Gene: APC (APC regulator of WNT signaling pathway; plus strand). Cytogenetic location: 5q22.2.
Variant type: single nucleotide variant.
Coding change: c.933+1200C>A on transcript NM_000038.6 (MANE Select); 1200 bases into the intron after coding-DNA position 933, C replaced by A.
Molecular consequence: intron variant.
Genome position (GRCh38, 1-based): chr5:112,816,793, C>A. VCF-style: chr5-112816793-C-A. GRCh37 (hg19) VCF-style: chr5-112152490-C-A.
Other names: c.933+1200C>A (NM_001354895.2, NM_001127510.3, NM_001354896.2 and 1 more transcripts); c.963+1200C>A (NM_001354897.2, NM_001354902.2); c.879+1200C>A (NM_001127511.3); c.858+1200C>A (NM_001354898.2, NM_001354904.2); c.84+1200C>A (NM_001354906.2); c.849+1200C>A (NM_001354899.2); c.756+1200C>A (NM_001354900.2, NM_001354901.2, NM_001354905.2).
Identifiers: ClinVar variation 83106 (VCV000083106.2), dbSNP rs78507273, ClinGen allele CA015688.